The following is an entry in ClinVar:

NM_198578.4(LRRK2):c.3628T>C (p.Tyr1210His)

Gene: LRRK2 (leucine rich repeat kinase 2; plus strand). Cytogenetic location: 12q12.
Variant type: single nucleotide variant.
Coding change: c.3628T>C on transcript NM_198578.4 (MANE Select); coding-DNA position 3628, T replaced by C.
Protein change: p.Tyr1210His; replaces tyrosine 1210 with histidine.
Molecular consequence: missense variant.
Genome position (GRCh38, 1-based): chr12:40,303,985, T>C. VCF-style: chr12-40303985-T-C. GRCh37 (hg19) VCF-style: chr12-40697787-T-C.
Other names: short protein forms Y1210H.
Identifiers: ClinVar variation 1733376 (VCV001733376.3), dbSNP rs774236475, ClinGen allele CA6513968.

ClinVar aggregate classification (germline): Uncertain significance. Review status: criteria provided, multiple submitters, no conflicts (2 of 4 stars). 2 submissions from 2 submitters: Uncertain significance (2). Last evaluated 2025-07-23.

Conditions:
Inborn genetic diseases. Identifiers: MedGen C0950123, MeSH D030342.
Autosomal dominant Parkinson disease 8. Also called: LRRK2-Related Parkinson Disease; Parkinson disease 8; Parkinson disease 8, susceptibility to. Identifiers: Orphanet 411602, MedGen C1846862, MONDO:0011764, OMIM 607060.

Allele frequency attached by ClinVar (database versions not stated): ExAC 0.00001.

Submissions (2):

Labcorp Genetics (formerly Invitae), Labcorp
Classification: Uncertain significance for Autosomal dominant Parkinson disease 8. Last evaluated: 2025-07-23. Review status: criteria provided, single submitter. Criteria: Invitae Variant Classification Sherloc (09022015). Collection method: clinical testing. Allele origin: germline.
Comment: This sequence change replaces tyrosine, which is neutral and polar, with histidine, which is basic and polar, at codon 1210 of the LRRK2 protein (p.Tyr1210His). This variant is present in population databases (rs774236475, gnomAD 0.003%). This variant has not been reported in the literature in individuals affected with LRRK2-related conditions. ClinVar contains an entry for this variant (Variation ID: 1733376). An algorithm developed to predict the effect of missense changes on protein structure and function outputs the following: PolyPhen-2: "Benign". The histidine amino acid residue is found in multiple mammalian species, which suggests that this missense change does not adversely affect protein function. In summary, the available evidence is currently insufficient to determine the role of this variant in disease. Therefore, it has been classified as a Variant of Uncertain Significance.

Ambry Genetics
Classification: Uncertain significance for Inborn genetic diseases. Last evaluated: 2022-10-15. Review status: criteria provided, single submitter. Criteria: Ambry Variant Classification Scheme 2023. Collection method: clinical testing. Allele origin: germline.
Comment: The p.Y1210H variant (also known as c.3628T>C), located in coding exon 27 of the LRRK2 gene, results from a T to C substitution at nucleotide position 3628. The tyrosine at codon 1210 is replaced by histidine, an amino acid with similar properties. This amino acid position is conserved. In addition, this alteration is predicted to be tolerated by in silico analysis. Since supporting evidence is limited at this time, the clinical significance of this alteration remains unclear.